The following is an entry in ClinVar:

NM_018474.6(KIZ):c.1025C>T (p.Pro342Leu)

Gene: KIZ (kizuna centrosomal protein; plus strand). Cytogenetic location: 20p11.23.
Variant type: single nucleotide variant.
Coding change: c.1025C>T on transcript NM_018474.6 (MANE Select); coding-DNA position 1025, C replaced by T.
Protein change: p.Pro342Leu; replaces proline 342 with leucine.
Molecular consequence: missense variant.
Genome position (GRCh38, 1-based): chr20:21,162,490, C>T. VCF-style: chr20-21162490-C-T. GRCh37 (hg19) VCF-style: chr20-21143131-C-T.
Other names: c.716C>T, p.Pro239Leu (NM_001163022.3, NM_001352435.2); c.626C>T, p.Pro209Leu (NM_001163023.3); c.878C>T, p.Pro293Leu (NM_001276389.2); c.1025C>T, p.Pro342Leu (NM_001352434.2); c.683C>T, p.Pro228Leu (NM_001352436.2); short protein forms P293L, P209L, P239L, P342L, P228L.
Identifiers: ClinVar variation 1403499 (VCV001403499.6), dbSNP rs780445519, ClinGen allele CA9784757.

ClinVar aggregate classification (germline): Uncertain significance. Review status: criteria provided, multiple submitters, no conflicts (2 of 4 stars). 2 submissions from 2 submitters: Uncertain significance (2). Last evaluated 2024-02-20.

Allele frequency attached by ClinVar (database versions not stated): gnomAD 0.00001 and 0.00003; gnomAD exomes 0.00002 and 0.00003; ExAC 0.00005; TOPMed 0.00005.
gnomAD v4.1: 33 of 1,611,614 alleles (0.002%); highest among the groups gnomAD compares: East Asian, 0.027%; no homozygotes.

Submissions (2):

Labcorp Genetics (formerly Invitae), Labcorp
Classification: Uncertain significance. Last evaluated: 2024-02-20. Review status: criteria provided, single submitter. Criteria: Invitae Variant Classification Sherloc (09022015). Collection method: clinical testing. Allele origin: germline.
Comment: This sequence change replaces proline, which is neutral and non-polar, with leucine, which is neutral and non-polar, at codon 342 of the KIZ protein (p.Pro342Leu). This variant is present in population databases (rs780445519, gnomAD 0.05%). This variant has not been reported in the literature in individuals affected with KIZ-related conditions. ClinVar contains an entry for this variant (Variation ID: 1403499). Experimental studies and prediction algorithms are not available or were not evaluated, and the functional significance of this variant is currently unknown. In summary, the available evidence is currently insufficient to determine the role of this variant in disease. Therefore, it has been classified as a Variant of Uncertain Significance.

Blueprint Genetics
Classification: Uncertain significance. Last evaluated: 2023-10-20. Review status: criteria provided, single submitter. Criteria: ACMG Guidelines, 2015. Collection method: clinical testing. Allele origin: germline.